The following is an entry in ClinVar:

ClinVar aggregate classification (germline): Uncertain significance. Review status: criteria provided, multiple submitters, no conflicts (2 of 4 stars). 2 submissions from 2 submitters: Uncertain significance (2). Last evaluated 2025-06-04.

Conditions:
Familial adenomatous polyposis 1 (FAP1). Also called: FAMILIAL ADENOMATOUS POLYPOSIS 1, ATTENUATED; POLYPOSIS, ADENOMATOUS INTESTINAL. Identifiers: MedGen C2713442, MONDO:0021056, OMIM 175100. Disease mechanism: loss of function.

Submissions (2):

Labcorp Genetics (formerly Invitae), Labcorp
Classification: Uncertain significance for Familial adenomatous polyposis 1. Last evaluated: 2025-06-04. Review status: criteria provided, single submitter. Criteria: Invitae Variant Classification Sherloc (09022015). Collection method: clinical testing. Allele origin: germline.
Comment: This sequence change replaces leucine, which is neutral and non-polar, with valine, which is neutral and non-polar, at codon 1865 of the APC protein (p.Leu1865Val). This variant is not present in population databases (gnomAD no frequency). This variant has not been reported in the literature in individuals affected with APC-related conditions. ClinVar contains an entry for this variant (Variation ID: 421068). Invitae Evidence Modeling of protein sequence and biophysical properties (such as structural, functional, and spatial information, amino acid conservation, physicochemical variation, residue mobility, and thermodynamic stability) indicates that this missense variant is not expected to disrupt APC protein function with a negative predictive value of 95%. In summary, the available evidence is currently insufficient to determine the role of this variant in disease. Therefore, it has been classified as a Variant of Uncertain Significance.

GeneDx
Classification: Uncertain significance. Last evaluated: 2016-05-06. Review status: criteria provided, single submitter. Criteria: GeneDx Variant Classification (06012015). Collection method: clinical testing. Allele origin: germline. Affected: yes.
Comment: This variant is denoted APC c.5593C>G at the cDNA level, p.Leu1865Val (L1865V) at the protein level, and results in the change of a Leucine to a Valine (CTA>GTA). This variant has not, to our knowledge, been published in the literature as pathogenic or benign. APC Leu1865Val was not observed in approximately 6,500 individuals of European and African American ancestry in the NHLBI Exome Sequencing Project, suggesting it is not a common benign variant in these populations. Since Leucine and Valine share similar properties, this is considered a conservative amino acid substitution. APC Leu1865Val occurs at a position that is conserved across species and is located in the 20-aa repeat beta-catenin down-regulating domain as well as SAMP repeats/axin binding domain (Azzopardi 2008). In silico analyses predict that this variant is probably damaging to protein structure and function. Based on currently available evidence, it is unclear whether APC Leu1865Val is a pathogenic or benign variant. We consider it to be a variant of uncertain significance.

NM_000038.6(APC):c.5593C>G (p.Leu1865Val)

Gene: APC (APC regulator of Wnt signaling pathway; plus strand). Cytogenetic location: 5q22.2.
Variant type: single nucleotide variant.
Coding change: c.5593C>G on transcript NM_000038.6 (MANE Select); coding-DNA position 5593, C replaced by G.
Protein change: p.Leu1865Val; replaces leucine 1865 with valine.
Molecular consequence: missense variant.
Genome position (GRCh38, 1-based): chr5:112,841,187, C>G. VCF-style: chr5-112841187-C-G. GRCh37 (hg19) VCF-style: chr5-112176884-C-G.
Other names: c.5593C>G, p.Leu1865Val (NM_001127510.3, NM_001354895.2); c.5539C>G, p.Leu1847Val (NM_001127511.3); c.5647C>G, p.Leu1883Val (NM_001354896.2); c.5623C>G, p.Leu1875Val (NM_001354897.2); c.5518C>G, p.Leu1840Val (NM_001354898.2); c.5509C>G, p.Leu1837Val (NM_001354899.2); c.5470C>G, p.Leu1824Val (NM_001354900.2); c.5416C>G, p.Leu1806Val (NM_001354901.2); and 5 more; short protein forms L1847V, L1865V, L1582V, L1705V, L1764V, L1875V, L1883V, L1837V.
Identifiers: ClinVar variation 421068 (VCV000421068.11), dbSNP rs1064794887, ClinGen allele CA16033571.